The following is an entry in ClinVar:

ClinVar aggregate classification (germline): Uncertain significance. Review status: criteria provided, multiple submitters, no conflicts (2 of 4 stars). 2 submissions from 2 submitters: Uncertain significance (2). Last evaluated 2025-08-24.

Conditions:
Inborn genetic diseases. Identifiers: MedGen C0950123, MeSH D030342.
Desbuquois dysplasia 1 (DBQD1). Also called: MICROMELIC DWARFISM WITH VERTEBRAL AND METAPHYSEAL ABNORMALITIES AND ADVANCED CARPOTARSAL OSSIFICATION; DESBUQUOIS DYSPLASIA 1, KIM VARIANT. Identifiers: Orphanet 1425, MedGen C4012146, MONDO:0009629, OMIM 251450.

Allele frequency attached by ClinVar (database versions not stated): gnomAD exomes 0.00001 and 0.00002; TOPMed 0.00001; gnomAD 0.00003; ExAC 0.00004; ESP Exome Variant Server 0.00015.
gnomAD v4.1: 20 of 1,614,106 alleles (0.0012%); highest among the groups gnomAD compares: Non-Finnish European, 0.0015%; no homozygotes.

Submissions (2):

Labcorp Genetics (formerly Invitae), Labcorp
Classification: Uncertain significance for Desbuquois dysplasia 1. Last evaluated: 2025-08-24. Review status: criteria provided, single submitter. Criteria: Invitae Variant Classification Sherloc (09022015). Collection method: clinical testing. Allele origin: germline.
Comment: This sequence change replaces serine, which is neutral and polar, with asparagine, which is neutral and polar, at codon 404 of the XYLT1 protein (p.Ser404Asn). This variant is present in population databases (rs146025263, gnomAD 0.008%). This variant has not been reported in the literature in individuals affected with XYLT1-related conditions. ClinVar contains an entry for this variant (Variation ID: 935572). Invitae Evidence Modeling of protein sequence and biophysical properties (such as structural, functional, and spatial information, amino acid conservation, physicochemical variation, residue mobility, and thermodynamic stability) indicates that this missense variant is expected to disrupt XYLT1 protein function with a positive predictive value of 80%. In summary, the available evidence is currently insufficient to determine the role of this variant in disease. Therefore, it has been classified as a Variant of Uncertain Significance.

Ambry Genetics
Classification: Uncertain significance for Inborn genetic diseases. Last evaluated: 2023-10-25. Review status: criteria provided, single submitter. Criteria: Ambry Variant Classification Scheme 2023. Collection method: clinical testing. Allele origin: germline.

NM_022166.4(XYLT1):c.1211G>A (p.Ser404Asn)

Gene: XYLT1 (xylosyltransferase 1; minus strand). Cytogenetic location: 16p12.3.
Variant type: single nucleotide variant.
Coding change: c.1211G>A on transcript NM_022166.4 (MANE Select); coding-DNA position 1211, G replaced by A.
Protein change: p.Ser404Asn; replaces serine 404 with asparagine.
Molecular consequence: missense variant.
Genome position (GRCh38, 1-based): chr16:17,198,290, C>T on the plus strand (G>A on the coding strand, the complement: XYLT1 is on the minus strand). VCF-style: chr16-17198290-C-T. GRCh37 (hg19) VCF-style: chr16-17292147-C-T.
Other names: short protein forms S404N.
Identifiers: ClinVar variation 935572 (VCV000935572.7), dbSNP rs146025263, ClinGen allele CA7927991.